The following is an entry in ClinVar:

NM_001080467.3(MYO5B):c.888C>T (p.Ile296=)

Gene: MYO5B (myosin VB; minus strand). Cytogenetic location: 18q21.1.
Variant type: single nucleotide variant.
Coding change: c.888C>T on transcript NM_001080467.3 (MANE Select); coding-DNA position 888, C replaced by T.
Protein change: p.Ile296=; no amino-acid change (isoleucine 296 retained).
Molecular consequence: synonymous variant.
Genome position (GRCh38, 1-based): chr18:49,984,776, G>A on the plus strand (C>T on the coding strand, the complement: MYO5B is on the minus strand). VCF-style: chr18-49984776-G-A. GRCh37 (hg19) VCF-style: chr18-47511146-G-A.
Other names: c.888C>T (NM_001080467.2).
Identifiers: ClinVar variation 1166178 (VCV001166178.12), dbSNP rs139200179, ClinGen allele CA8961731.

ClinVar aggregate classification (germline): Benign/Likely benign. Review status: criteria provided, multiple submitters, no conflicts (2 of 4 stars). 3 submissions from 3 submitters: Benign (1); Likely benign (1). 1 of the submissions does not count toward it. Last evaluated 2026-01-26.

Conditions:
MYO5B-related disorder. Also called: MYO5B-related condition.

Allele frequency attached by ClinVar (database versions not stated): gnomAD exomes 0.00021 and 0.00048; ExAC 0.00055; ESP Exome Variant Server 0.00130; 1000 Genomes Project 0.00200; 1000 Genomes Project 30x 0.00203; gnomAD 0.00223 and 0.00238; TOPMed 0.00243.
gnomAD v4.1: 666 of 1,613,886 alleles (0.041%); highest among the groups gnomAD compares: African/African-American, 0.73%; 4 homozygotes.

Submissions (3):

Labcorp Genetics (formerly Invitae), Labcorp
Classification: Benign. Last evaluated: 2026-01-26. Review status: criteria provided, single submitter. Criteria: Invitae Variant Classification Sherloc (09022015). Collection method: clinical testing. Allele origin: germline.

Blueprint Genetics
Classification: Likely benign. Last evaluated: 2024-11-13. Review status: criteria provided, single submitter. Criteria: ACMG Guidelines, 2015. Collection method: clinical testing. Allele origin: germline.

PreventionGenetics, part of Exact Sciences
Classification: Benign for MYO5B-related condition. Last evaluated: 2020-01-02. Review status: no assertion criteria provided. Collection method: clinical testing. Allele origin: germline. Not counted in ClinVar's aggregate classification.
Comment: This variant is classified as benign based on ACMG/AMP sequence variant interpretation guidelines (Richards et al. 2015 PMID: 25741868, with internal and published modifications).